The following is an entry in ClinVar:

ClinVar aggregate classification (germline): Uncertain significance (1 of 4 stars; one submission).

gnomAD v4.1: 5 of 1,614,234 alleles (0.00031%); highest among the groups gnomAD compares: Middle Eastern, 0.033%; no homozygotes.

Submission:

GeneDx
Classification: Uncertain significance. Last evaluated: 2024-02-28. Review status: criteria provided, single submitter. Criteria: GeneDx Variant Classification Process June 2021. Collection method: clinical testing. Allele origin: germline. Affected: yes.
Comment: Has not been previously published as pathogenic or benign to our knowledge; Not observed at significant frequency in large population cohorts (gnomAD); In silico analysis supports that this missense variant does not alter protein structure/function

NM_014000.3(VCL):c.1312A>T (p.Ile438Leu)

Gene: VCL (vinculin; plus strand). Cytogenetic location: 10q22.2.
Variant type: single nucleotide variant.
Coding change: c.1312A>T on transcript NM_014000.3 (MANE Select); coding-DNA position 1312, A replaced by T.
Protein change: p.Ile438Leu; replaces isoleucine 438 with leucine.
Molecular consequence: missense variant.
Genome position (GRCh38, 1-based): chr10:74,090,158, A>T. VCF-style: chr10-74090158-A-T. GRCh37 (hg19) VCF-style: chr10-75849916-A-T.
Other names: c.1312A>T, p.Ile438Leu (NM_003373.4); short protein forms I438L.
Identifiers: ClinVar variation 3369861 (VCV003369861.1).
Genomic context (GRCh38, chr10:74,090,158, plus strand): 5'-ATAGCAGAATTATGTGATGATCCTAAAGAAAGAGATGACATTCTACGTTCCCTTGGGGAA[A>T]TATCTGCTCTGACTTCTAAATTAGCAGATCTACGAAGACAGTATGTATTTAACCCTTACA-3'
Protein context (NP_054706.1, residues 428-448): RDDILRSLGE[Ile438Leu]SALTSKLADL